The following is an entry in ClinVar:

ClinVar aggregate classification (germline): Uncertain significance (1 of 4 stars; one submission).

Conditions:
Brachyolmia-amelogenesis imperfecta syndrome. Also called: Tooth agenesis, selective, 6; Dental anomalies and short stature; PLATYSPONDYLY WITH AMELOGENESIS IMPERFECTA. Identifiers: Orphanet 2899, MedGen C1832594, MONDO:0011018, OMIM 601216. Disease mechanism: loss of function.

Submission:

Labcorp Genetics (formerly Invitae), Labcorp
Classification: Uncertain significance for Brachyolmia-amelogenesis imperfecta syndrome. Last evaluated: 2025-04-21. Review status: criteria provided, single submitter. Criteria: Invitae Variant Classification Sherloc (09022015). Collection method: clinical testing. Allele origin: germline.
Comment: This sequence change replaces histidine, which is basic and polar, with arginine, which is basic and polar, at codon 462 of the LTBP3 protein (p.His462Arg). This variant is not present in population databases (gnomAD no frequency). This variant has not been reported in the literature in individuals affected with LTBP3-related conditions. An algorithm developed to predict the effect of missense changes on protein structure and function (PolyPhen-2) suggests that this variant is likely to be disruptive. In summary, the available evidence is currently insufficient to determine the role of this variant in disease. Therefore, it has been classified as a Variant of Uncertain Significance.

NM_001130144.3(LTBP3):c.1385A>G (p.His462Arg)

Gene: LTBP3 (latent transforming growth factor beta binding protein 3; minus strand). Cytogenetic location: 11q13.1.
Variant type: single nucleotide variant.
Coding change: c.1385A>G on transcript NM_001130144.3 (MANE Select); coding-DNA position 1385, A replaced by G.
Protein change: p.His462Arg; replaces histidine 462 with arginine.
Molecular consequence: missense variant.
Genome position (GRCh38, 1-based): chr11:65,552,118, T>C on the plus strand (A>G on the coding strand, the complement: LTBP3 is on the minus strand). VCF-style: chr11-65552118-T-C. GRCh37 (hg19) VCF-style: chr11-65319589-T-C.
Other names: c.1034A>G, p.His345Arg (NM_001164266.1); c.1385A>G, p.His462Arg (NM_021070.4); short protein forms H462R, H345R.
Identifiers: ClinVar variation 4771696 (VCV004771696.1).